The following is an entry in ClinVar:

NM_001008216.2(GALE):c.284G>A (p.Gly95Asp)

Gene: GALE (UDP-galactose-4-epimerase; minus strand). Cytogenetic location: 1p36.11.
Variant type: single nucleotide variant.
Coding change: c.284G>A on transcript NM_001008216.2 (MANE Select); coding-DNA position 284, G replaced by A.
Protein change: p.Gly95Asp; replaces glycine 95 with aspartic acid.
Molecular consequence: missense variant.
Genome position (GRCh38, 1-based): chr1:23,798,184, C>T on the plus strand (G>A on the coding strand, the complement: GALE is on the minus strand). VCF-style: chr1-23798184-C-T. GRCh37 (hg19) VCF-style: chr1-24124674-C-T.
Other names: c.284G>A, p.Gly95Asp (NM_000403.4, NM_001127621.2); c.284G>A (NM_000403.3); short protein forms G95D.
Identifiers: ClinVar variation 801458 (VCV000801458.7), dbSNP rs1243531358, ClinGen allele CA339013939.

ClinVar aggregate classification (germline): Conflicting classifications of pathogenicity. Review status: criteria provided, conflicting classifications (1 of 4 stars). 4 submissions from 4 submitters: Likely pathogenic (2); Uncertain significance (2). Last evaluated 2025-02-07.

Conditions:
UDPglucose-4-epimerase deficiency. Also called: UDPglucose 4-Epimerase Deficiency Disease; Epimerase Deficiency Galactosemia; GALACTOSEMIA III; GALE DEFICIENCY; UDP-GALACTOSE-4-EPIMERASE DEFICIENCY; Galactose epimerase deficiency. Identifiers: Orphanet 352, Orphanet 79238, MedGen C0751161, MONDO:0009257, OMIM 230350.

Allele frequency attached by ClinVar (database versions not stated): gnomAD exomes below 0.00001 and 0.00001; gnomAD 0.00001; TOPMed 0.00001.

Submissions (4):

Dasa
Classification: Uncertain significance. Last evaluated: 2025-02-07. Review status: criteria provided, single submitter. Criteria: DASA Assertion Criteria. Collection method: clinical testing. Allele origin: germline.
Comment: NM_001008216.2(GALE):c.284G>A (p.Gly95Asp) is a missense variant that results in the substitution of glycine with aspartic acid. This variant has been reported in individuals with GALE-related disorders (PMID: 27604308). Also, this variant is rare in population databases. Computational prediction algorithms are consistent with a deleterious effect. The currently available literature and clinical evidence are not sufficient to establish a definitive association between this variant and the reported condition. Therefore, this variant is classified as a variant of uncertain significance.

GeneDx
Classification: Likely pathogenic. Last evaluated: 2024-12-20. Review status: criteria provided, single submitter. Criteria: GeneDx Variant Classification Process June 2021. Collection method: clinical testing. Allele origin: germline. Affected: yes.
Comment: Not observed at significant frequency in large population cohorts (gnomAD); In silico analysis supports that this missense variant has a deleterious effect on protein structure/function; This variant is associated with the following publications: (PMID: 36361642, 27604308, 36515074, 36056436)

Labcorp Genetics (formerly Invitae), Labcorp
Classification: Uncertain significance for UDPglucose-4-epimerase deficiency. Last evaluated: 2022-02-24. Review status: criteria provided, single submitter. Criteria: Invitae Variant Classification Sherloc (09022015). Collection method: clinical testing. Allele origin: germline.
Comment: This sequence change replaces glycine, which is neutral and non-polar, with aspartic acid, which is acidic and polar, at codon 95 of the GALE protein (p.Gly95Asp). This variant is present in population databases (no rsID available, gnomAD 0.0009%). This missense change has been observed in individual(s) with galactose epimerase deficiency (PMID: 27604308). ClinVar contains an entry for this variant (Variation ID: 801458). Algorithms developed to predict the effect of missense changes on protein structure and function are either unavailable or do not agree on the potential impact of this missense change (SIFT: "Deleterious"; PolyPhen-2: "Probably Damaging"; Align-GVGD: "Class C0"). In summary, the available evidence is currently insufficient to determine the role of this variant in disease. Therefore, it has been classified as a Variant of Uncertain Significance.

Mendelics
Classification: Likely pathogenic for UDPglucose-4-epimerase deficiency. Last evaluated: 2019-05-28. Review status: criteria provided, single submitter. Criteria: Mendelics Assertion Criteria 2017. Collection method: clinical testing. Allele origin: unknown.

Literature cited by the submitters: PubMed 27604308 (cited by Dasa and Labcorp Genetics (formerly Invitae), Labcorp).